The following is an entry in ClinVar:

NM_001366900.1(TTC21A):c.50A>G (p.Gln17Arg)

Gene: TTC21A (tetratricopeptide repeat domain 21A; plus strand). Cytogenetic location: 3p22.2.
Variant type: single nucleotide variant.
Coding change: c.50A>G on transcript NM_001366900.1 (MANE Select); coding-DNA position 50, A replaced by G.
Protein change: p.Gln17Arg; replaces glutamine 17 with arginine.
Molecular consequence: missense variant. On other transcripts: non-coding transcript variant (3).
Genome position (GRCh38, 1-based): chr3:39,109,107, A>G. VCF-style: chr3-39109107-A-G. GRCh37 (hg19) VCF-style: chr3-39150598-A-G.
Other names: c.50A>G, p.Gln17Arg (NM_001105513.3, NM_001366899.1, NM_145755.3); short protein forms Q17R.
Identifiers: ClinVar variation 1050420 (VCV001050420.1), dbSNP rs762980982, ClinGen allele CA2323922.

ClinVar aggregate classification (germline): Uncertain significance (0 of 4 stars; one submission).

Allele frequency attached by ClinVar (database versions not stated): gnomAD exomes below 0.00001; ExAC 0.00001.
gnomAD v4.1: 4 of 1,614,146 alleles (0.00025%); highest among the groups gnomAD compares: South Asian, 0.0022%; no homozygotes.

Submission:

Department of Pathology and Laboratory Medicine, Sinai Health System
Classification: Uncertain significance. Review status: no assertion criteria provided. Collection method: clinical testing. Allele origin: unknown. Affected: yes. Study: The Canadian Open Genetics Repository (COGR).
Comment: The TTC21A p.Gln17Arg variant was not identified in the literature nor was it identified in ClinVar. The variant was identified in dbSNP (ID: rs762980982) and in control databases in 1 of 249528 chromosomes at a frequency of 0.000004008 (Genome Aggregation Database March 6, 2019, v2.1.1). The variant was observed in the South Asian population in 1 of 30602 chromosomes (freq: 0.000033), but was not observed in the African, Latino, Ashkenazi Jewish, East Asian, European (Finnish), European (non-Finnish), or Other populations. The p.Gln17 residue is not conserved in mammals and computational analyses (PolyPhen-2, SIFT, AlignGVGD, BLOSUM, MutationTaster) do not suggest a high likelihood of impact to the protein; however, this information is not predictive enough to rule out pathogenicity. The variant occurs outside of the splicing consensus sequence and in silico or computational prediction software programs (SpliceSiteFinder, MaxEntScan, NNSPLICE, GeneSplicer) do not predict a difference in splicing. In summary, based on the above information the clinical significance of this variant cannot be determined with certainty at this time. This variant is classified as a variant of uncertain significance.